The following is an entry in ClinVar:

NM_000051.4(ATM):c.4320A>T (p.Lys1440Asn)

Gene: ATM (ATM serine/threonine kinase; plus strand). Cytogenetic location: 11q22.3.
Variant type: single nucleotide variant.
Coding change: c.4320A>T on transcript NM_000051.4 (MANE Select); coding-DNA position 4320, A replaced by T.
Protein change: p.Lys1440Asn; replaces lysine 1440 with asparagine.
Molecular consequence: missense variant.
Genome position (GRCh38, 1-based): chr11:108,289,685, A>T. VCF-style: chr11-108289685-A-T. GRCh37 (hg19) VCF-style: chr11-108160412-A-T.
Other names: c.4320A>T, p.Lys1440Asn (NM_001351834.2); short protein forms K1440N.
Identifiers: ClinVar variation 839059 (VCV000839059.9), dbSNP rs2082675235, ClinGen allele CA382531813.
Genomic context (GRCh38, chr11:108,289,685, plus strand): 5'-TGCCATATGTGAGCAAGCAGCTGAAACAAATAATGTTTATAAGAAGCACAGAATTCTTAA[A>T]ATATATCACCTGTTTGTTAGTTTATTACTGAAAGATATAAAAAGTGGCTTAGGAGGAGCT-3'
Protein context (NP_000042.3, residues 1430-1450): NNVYKKHRIL[Lys1440Asn]IYHLFVSLLL

ClinVar aggregate classification (germline): Uncertain significance (1 of 4 stars; one submission).

Conditions:
Ataxia-telangiectasia syndrome (AT). Also called: Ataxia-telangiectasia, complementation group E; Ataxia telangiectasia (A-T); LOUIS-BAR SYNDROME; Ataxia-telangiectasia, complementation group D; AT, COMPLEMENTATION GROUP C; Ataxia-telangiectasia. Identifiers: Orphanet 100, MedGen C0004135, MONDO:0008840, OMIM 208900.

Submission:

Labcorp Genetics (formerly Invitae), Labcorp
Classification: Uncertain significance for Ataxia-telangiectasia syndrome. Last evaluated: 2019-04-16. Review status: criteria provided, single submitter. Criteria: Invitae Variant Classification Sherloc (09022015). Collection method: clinical testing. Allele origin: germline.
Comment: Algorithms developed to predict the effect of missense changes on protein structure and function (SIFT, PolyPhen-2, Align-GVGD) all suggest that this variant is likely to be tolerated, but these predictions have not been confirmed by published functional studies and their clinical significance is uncertain. This sequence change replaces lysine with asparagine at codon 1440 of the ATM protein (p.Lys1440Asn). The lysine residue is weakly conserved and there is a moderate physicochemical difference between lysine and asparagine. This variant is not present in population databases (ExAC no frequency). This variant has not been reported in the literature in individuals with ATM-related conditions. In summary, the available evidence is currently insufficient to determine the role of this variant in disease. Therefore, it has been classified as a Variant of Uncertain Significance.